The following is an entry in ClinVar:

NM_032444.4(SLX4):c.2622C>T (p.Gly874=)

Gene: SLX4 (SLX4 structure-specific endonuclease subunit; minus strand). Cytogenetic location: 16p13.3.
Variant type: single nucleotide variant.
Coding change: c.2622C>T on transcript NM_032444.4 (MANE Select); coding-DNA position 2622, C replaced by T.
Protein change: p.Gly874=; no amino-acid change (glycine 874 retained).
Molecular consequence: synonymous variant.
Genome position (GRCh38, 1-based): chr16:3,591,016, G>A on the plus strand (C>T on the coding strand, the complement: SLX4 is on the minus strand). VCF-style: chr16-3591016-G-A. GRCh37 (hg19) VCF-style: chr16-3641017-G-A.
Identifiers: ClinVar variation 2167258 (VCV002167258.28), dbSNP rs1407514660, ClinGen allele CA493391910.
Genomic context (GRCh38, chr16:3,591,016, plus strand): 5'-GACACCTGCTAGGAGTTGCCCAGAAACCGGACTGCCACCCTCCAGCCAGTCAGCGTCCTC[G>A]CCGGCACCCGCTGCCCTTTCTTCCTGGAGAAGCTTTCGCTGAGTAGCTGCAAATTCATAA-3'
Protein context (NP_115820.2, residues 864-884): LLQEERAAGA[Gly874=]EDADWLEGGS

ClinVar aggregate classification (germline): Likely benign. Review status: criteria provided, multiple submitters, no conflicts (2 of 4 stars). 2 submissions from 2 submitters: Likely benign (2). Last evaluated 2025-09-21.

Conditions:
Fanconi anemia (FA). Also called: Fanconi's anemia. Identifiers: Orphanet 84, MedGen C0015625, MeSH D005199, MONDO:0019391.

Allele frequency attached by ClinVar (database versions not stated): TOPMed 0.00001; gnomAD 0.00003.
gnomAD v4.1: 9 of 1,614,002 alleles (0.00056%); highest among the groups gnomAD compares: African/African-American, 0.0067%; no homozygotes.

Submissions (2):

Labcorp Genetics (formerly Invitae), Labcorp
Classification: Likely benign for Fanconi anemia. Last evaluated: 2025-09-21. Review status: criteria provided, single submitter. Criteria: Invitae Variant Classification Sherloc (09022015). Collection method: clinical testing. Allele origin: germline.

CeGaT Center for Human Genetics Tuebingen
Classification: Likely benign. Last evaluated: 2023-02-01. Review status: criteria provided, single submitter. Criteria: CeGaT Center For Human Genetics Tuebingen Variant Classification Criteria Version 2. Collection method: clinical testing. Allele origin: germline. Affected: yes. Observed: 1 variant allele.
Comment: SLX4: BP4, BP7